The following is an entry in ClinVar:

NM_001042492.3(NF1):c.1013A>G (p.Asp338Gly)

Gene: NF1 (neurofibromin 1; plus strand). Cytogenetic location: 17q11.2.
Variant type: single nucleotide variant.
Coding change: c.1013A>G on transcript NM_001042492.3 (MANE Select); coding-DNA position 1013, A replaced by G.
Protein change: p.Asp338Gly; replaces aspartic acid 338 with glycine.
Molecular consequence: missense variant.
Genome position (GRCh38, 1-based): chr17:31,200,546, A>G. VCF-style: chr17-31200546-A-G. GRCh37 (hg19) VCF-style: chr17-29527564-A-G.
Other names: c.1013A>G, p.Asp338Gly (NM_000267.4, NM_001128147.3); short protein forms D338G.
Identifiers: ClinVar variation 68297 (VCV000068297.12), dbSNP rs199474773, ClinGen allele CA219374.

ClinVar aggregate classification (germline): Pathogenic/Likely pathogenic. Review status: criteria provided, multiple submitters, no conflicts (2 of 4 stars). 5 submissions from 5 submitters: Pathogenic (2); Likely pathogenic (2). 1 of the submissions does not count toward it. Last evaluated 2025-11-04.

Conditions:
Hereditary cancer-predisposing syndrome. Also called: Tumor predisposition; Hereditary Cancer Syndrome; Neoplastic Syndromes, Hereditary; Hereditary neoplastic syndrome. Identifiers: Orphanet 140162, MedGen C0027672, MeSH D009386, MONDO:0015356.
Cardiovascular phenotype. Identifiers: MedGen CN230736.
Neurofibromatosis, type 1 (NF1). Also called: Peripheral type neurofibromatosis; VON RECKLINGHAUSEN DISEASE; NEUROFIBROMATOSIS, TYPE I, SOMATIC; Neurofibromatosis, type I. Identifiers: Orphanet 636, MedGen C0027831, MONDO:0018975, OMIM 162200. Disease mechanism: loss of function.

Submissions (5):

Labcorp Genetics (formerly Invitae), Labcorp
Classification: Pathogenic for Neurofibromatosis, type 1. Last evaluated: 2025-11-04. Review status: criteria provided, single submitter. Criteria: Invitae Variant Classification Sherloc (09022015). Collection method: clinical testing. Allele origin: germline.
Comment: This sequence change replaces aspartic acid, which is acidic and polar, with glycine, which is neutral and non-polar, at codon 338 of the NF1 protein (p.Asp338Gly). This variant is not present in population databases (gnomAD no frequency). This missense change has been observed in individual(s) with clinical features of neurofibromatosis type I (PMID: 9298829, 30014477, 31730495, 33911094; internal data). Invitae Evidence Modeling of clinical and family history, age, sex, and reported ancestry of multiple individuals with this NF1 variant has been performed. This variant is expected to be pathogenic with a positive predictive value of at least 99%. This is a validated machine learning model that incorporates the clinical features of 1,785,918 individuals referred to our laboratory for NF1 testing. ClinVar contains an entry for this variant (Variation ID: 68297). Invitae Evidence Modeling of protein sequence and biophysical properties (such as structural, functional, and spatial information, amino acid conservation, physicochemical variation, residue mobility, and thermodynamic stability) indicates that this missense variant is expected to disrupt NF1 protein function with a positive predictive value of 95%. Algorithms developed to predict the effect of sequence changes on RNA splicing suggest that this variant may disrupt the consensus splice site. For these reasons, this variant has been classified as Pathogenic.

Ambry Genetics
Classification: Pathogenic for Cardiovascular phenotype; Hereditary cancer-predisposing syndrome. Last evaluated: 2025-06-26. Review status: criteria provided, single submitter. Criteria: Ambry Variant Classification Scheme 2023. Collection method: clinical testing. Allele origin: germline.
Comment: The p.D338G pathogenic mutation (also known as c.1013A>G), located in coding exon 9 of the NF1 gene, results from an A to G substitution at nucleotide position 1013. The aspartic acid at codon 338 is replaced by glycine, an amino acid with similar properties. This variant was reported in individuals with features consistent with neurofibromatosis type 1; in at least one individual, it was determined to be de novo (Upadhyaya M et al. Hum Mutat, 1997;10:248-50; Palma Milla C et al. Ann Hum Genet, 2018 Nov;82:425-436; Assunto A et al. Orphanet J Rare Dis, 2019 Nov;14:261; Castellanos E et al. Clin Genet, 2020 Feb;97:264-275; Ejerskov C et al. Sci Rep, 2021 Apr;11:9179; Ambry internal data). This amino acid position is highly conserved in available vertebrate species. In addition, this alteration is predicted to be deleterious by in silico analysis. This variant is considered to be rare based on population cohorts in the Genome Aggregation Database (gnomAD). Based on the supporting evidence, this variant is interpreted as a disease-causing mutation.

Institute of Medical Genetics and Applied Genomics, University Hospital Tübingen
Classification: Likely pathogenic for Neurofibromatosis, type 1. Last evaluated: 2024-05-29. Review status: criteria provided, single submitter. Criteria: ACMG Guidelines, 2015. Collection method: clinical testing. Allele origin: germline. Inheritance: Autosomal dominant inheritance. Affected: yes.

GeneDx
Classification: Likely pathogenic. Last evaluated: 2022-11-04. Review status: criteria provided, single submitter. Criteria: GeneDx Variant Classification Process June 2021. Collection method: clinical testing. Allele origin: germline. Affected: yes.
Comment: Not observed at significant frequency in large population cohorts (gnomAD); In silico analysis supports that this missense variant has a deleterious effect on protein structure/function; In silico analysis supports a deleterious effect on splicing; This variant is associated with the following publications: (PMID: 24803665, 9298829, 31730495, 33911094, Kamis2021[article], 30014477)

UniProtKB/Swiss-Prot
No classification provided. Review status: no classification provided. Collection method: not provided. Allele origin: not provided. Not counted in ClinVar's aggregate classification.

Literature cited by the submitters: PubMed 9298829 (cited by Labcorp Genetics (formerly Invitae), Labcorp and Ambry Genetics); PubMed 30014477 (cited by Labcorp Genetics (formerly Invitae), Labcorp and Ambry Genetics); PubMed 31730495 (cited by Labcorp Genetics (formerly Invitae), Labcorp and Ambry Genetics); PubMed 33911094 (cited by Labcorp Genetics (formerly Invitae), Labcorp and Ambry Genetics); PubMed 31573083 (cited by Ambry Genetics).